The following is an entry in ClinVar:

ClinVar aggregate classification (germline): Uncertain significance (1 of 4 stars; one submission).

gnomAD v4.1: 1 of 1,614,114 alleles (0.000062%); highest among the groups gnomAD compares: Admixed American, 0.0017%; no homozygotes.

Submission:

Ambry Genetics
Classification: Uncertain significance. Last evaluated: 2024-10-28. Review status: criteria provided, single submitter. Criteria: Ambry Variant Classification Scheme 2023. Collection method: clinical testing. Allele origin: germline.
Comment: The p.G210R variant (also known as c.628G>C), located in coding exon 4 of the TMPO gene, results from a G to C substitution at nucleotide position 628. The glycine at codon 210 is replaced by arginine, an amino acid with dissimilar properties. This amino acid position is conserved. In addition, this alteration is predicted to be tolerated by in silico analysis. Based on the available evidence, the clinical significance of this variant remains unclear.

NM_001032283.3(TMPO):c.565+1047G>C

Gene: TMPO (thymopoietin; plus strand). Cytogenetic location: 12q23.1.
Variant type: single nucleotide variant.
Coding change: c.565+1047G>C on transcript NM_001032283.3 (MANE Select); 1047 bases into the intron after coding-DNA position 565, G replaced by C.
Molecular consequence: intron variant. On other transcripts: missense variant (1).
Genome position (GRCh38, 1-based): chr12:98,532,885, G>C. VCF-style: chr12-98532885-G-C. GRCh37 (hg19) VCF-style: chr12-98926663-G-C.
Other names: c.628G>C, p.Gly210Arg (NM_003276.2); c.565+1047G>C (NM_001307975.2, NM_001032284.3); short protein forms G210R.
Identifiers: ClinVar variation 3458773 (VCV003458773.1).